The following is an entry in ClinVar:

NM_000384.3(APOB):c.9121G>A (p.Ala3041Thr)

Gene: APOB (apolipoprotein B; minus strand). Cytogenetic location: 2p24.1.
Variant type: single nucleotide variant.
Coding change: c.9121G>A on transcript NM_000384.3 (MANE Select); coding-DNA position 9121, G replaced by A.
Protein change: p.Ala3041Thr; replaces alanine 3041 with threonine.
Molecular consequence: missense variant.
Genome position (GRCh38, 1-based): chr2:21,007,747, C>T on the plus strand (G>A on the coding strand, the complement: APOB is on the minus strand). VCF-style: chr2-21007747-C-T. GRCh37 (hg19) VCF-style: chr2-21230619-C-T.
Other names: short protein forms A3041T.
Identifiers: ClinVar variation 4862641 (VCV004862641.1).

ClinVar aggregate classification (germline): Uncertain significance (1 of 4 stars; one submission).

Conditions:
Cardiovascular phenotype. Identifiers: MedGen CN230736.

gnomAD v4.1: 1 of 1,613,932 alleles (0.000062%); highest among the groups gnomAD compares: African/African-American, 0.0013%; no homozygotes.

Submission:

Ambry Genetics
Classification: Uncertain significance for Cardiovascular phenotype. Last evaluated: 2026-05-17. Review status: criteria provided, single submitter. Criteria: Ambry Variant Classification Scheme 2023. Collection method: clinical testing. Allele origin: germline.
Comment: The p.A3041T variant (also known as c.9121G>A), located in coding exon 26 of the APOB gene, results from a G to A substitution at nucleotide position 9121. The alanine at codon 3041 is replaced by threonine, an amino acid with similar properties. This amino acid position is conserved. In addition, this alteration is predicted to be tolerated by in silico analysis. Based on the available evidence, the clinical significance of this variant remains unclear.